The following is an entry in ClinVar:

ClinVar aggregate classification (germline): Uncertain significance (1 of 4 stars; one submission).

Allele frequency attached by ClinVar (database versions not stated): TOPMed below 0.00001; gnomAD 0.00001.
gnomAD v4.1: 5 of 1,614,090 alleles (0.00031%); highest among the groups gnomAD compares: Non-Finnish European, 0.00042%; no homozygotes.

Submission:

Labcorp Genetics (formerly Invitae), Labcorp
Classification: Uncertain significance. Last evaluated: 2022-06-04. Review status: criteria provided, single submitter. Criteria: Invitae Variant Classification Sherloc (09022015). Collection method: clinical testing. Allele origin: germline.
Comment: This sequence change replaces glycine, which is neutral and non-polar, with alanine, which is neutral and non-polar, at codon 766 of the RUSC2 protein (p.Gly766Ala). This variant is not present in population databases (gnomAD no frequency). This variant has not been reported in the literature in individuals affected with RUSC2-related conditions. Algorithms developed to predict the effect of missense changes on protein structure and function output the following: SIFT: "Tolerated"; PolyPhen-2: "Benign"; Align-GVGD: "Class C0". The alanine amino acid residue is found in multiple mammalian species, which suggests that this missense change does not adversely affect protein function. In summary, the available evidence is currently insufficient to determine the role of this variant in disease. Therefore, it has been classified as a Variant of Uncertain Significance.

NM_014806.5(RUSC2):c.2297G>C (p.Gly766Ala)

Gene: RUSC2 (RUN and SH3 domain containing 2; plus strand). Cytogenetic location: 9p13.3.
Variant type: single nucleotide variant.
Coding change: c.2297G>C on transcript NM_014806.5 (MANE Select); coding-DNA position 2297, G replaced by C.
Protein change: p.Gly766Ala; replaces glycine 766 with alanine.
Molecular consequence: missense variant. On other transcripts: 5 prime UTR variant (1), non-coding transcript variant (1).
Genome position (GRCh38, 1-based): chr9:35,555,342, G>C. VCF-style: chr9-35555342-G-C. GRCh37 (hg19) VCF-style: chr9-35555339-G-C.
Other names: c.2297G>C, p.Gly766Ala (NM_001135999.2); c.-338G>C (NM_001330740.2); short protein forms G766A.
Identifiers: ClinVar variation 1928072 (VCV001928072.2), dbSNP rs776985685, ClinGen allele CA373340783.
Genomic context (GRCh38, chr9:35,555,342, plus strand): 5'-CCTCAGGGGAACCGCAGGCATCCACTCCCCGAGCCACTGGCAGAGGTGCCAGGAAAGCTG[G>C]GTCTGAGCCAGAGACCTCTCGGCCATCGCCCCTGGGCAGCTACTCCCCCATCCGGAGTGT-3'
Protein context (NP_055621.2, residues 756-776): RATGRGARKA[Gly766Ala]SEPETSRPSP